The following is an entry in ClinVar:

ClinVar aggregate classification (germline): Likely benign (1 of 4 stars; one submission).

Conditions:
HAVCR2-related disorder. Also called: HAVCR2-related condition.

gnomAD v4.1: 63 of 1,611,848 alleles (0.0039%); highest among the groups gnomAD compares: African/African-American, 0.073%; no homozygotes.

Submission:

PreventionGenetics, part of Exact Sciences
Classification: Likely benign for HAVCR2-related condition. Last evaluated: 2025-05-16. Review status: criteria provided, single submitter. Criteria: ACMG Guidelines, 2015. Collection method: clinical testing. Allele origin: germline.
Comment: This variant is classified as likely benign based on ACMG/AMP sequence variant interpretation guidelines (Richards et al. 2015 PMID: 25741868, with internal and published modifications).

NM_032782.5(HAVCR2):c.522+10T>A

Gene: HAVCR2 (hepatitis A virus cellular receptor 2; minus strand). Cytogenetic location: 5q33.3.
Variant type: single nucleotide variant.
Coding change: c.522+10T>A on transcript NM_032782.5 (MANE Select); 10 bases into the intron after coding-DNA position 522, T replaced by A.
Molecular consequence: intron variant.
Genome position (GRCh38, 1-based): chr5:157,098,848, A>T on the plus strand (T>A on the coding strand, the complement: HAVCR2 is on the minus strand). VCF-style: chr5-157098848-A-T. GRCh37 (hg19) VCF-style: chr5-156525859-A-T.
Identifiers: ClinVar variation 4981220 (VCV004981220.1).